The following is an entry in ClinVar:

NM_000110.4(DPYD):c.187A>G (p.Lys63Glu)

Gene: DPYD (dihydropyrimidine dehydrogenase; minus strand). Cytogenetic location: 1p21.3.
Variant type: single nucleotide variant.
Coding change: c.187A>G on transcript NM_000110.4 (MANE Select); coding-DNA position 187, A replaced by G.
Protein change: p.Lys63Glu; replaces lysine 63 with glutamic acid.
Molecular consequence: missense variant.
Genome position (GRCh38, 1-based): chr1:97,828,160, T>C on the plus strand (A>G on the coding strand, the complement: DPYD is on the minus strand). VCF-style: chr1-97828160-T-C. GRCh37 (hg19) VCF-style: chr1-98293716-T-C.
Other names: c.187A>G, p.Lys63Glu (NM_001160301.1); short protein forms K63E.
Identifiers: ClinVar variation 553625 (VCV000553625.14), dbSNP rs367619008, ClinGen allele CA963770.

ClinVar aggregate classification (germline): Conflicting classifications of pathogenicity. Review status: criteria provided, conflicting classifications (1 of 4 stars). 7 submissions from 7 submitters: Likely pathogenic (4); Uncertain significance (2). 1 of the submissions does not count toward it. Last evaluated 2025-07-10.

Conditions:
DPYD-related disorder. Also called: DPYD-related condition.
Inborn genetic diseases. Identifiers: MedGen C0950123, MeSH D030342.
Dihydropyrimidine dehydrogenase deficiency (DPYDD). Also called: DPD DEFICIENCY; DPYD DEFICIENCY; Hereditary Thymine-Uraciluria. Identifiers: Orphanet 1675, MedGen C1959620, MONDO:0010130, OMIM 274270.

Allele frequency attached by ClinVar (database versions not stated): gnomAD 0.00003 and 0.00004; gnomAD exomes 0.00003; TOPMed 0.00003; ExAC 0.00004; ESP Exome Variant Server 0.00008.
gnomAD v4.1: 50 of 1,613,648 alleles (0.0031%); highest among the groups gnomAD compares: East Asian, 0.0045%; no homozygotes.

Submissions (7):

PreventionGenetics, part of Exact Sciences
Classification: Likely pathogenic for DPYD-related condition. Last evaluated: 2025-07-10. Review status: criteria provided, single submitter. Criteria: ACMG Guidelines, 2015. Collection method: clinical testing. Allele origin: germline.
Comment: The DPYD c.187A>G variant is predicted to result in the amino acid substitution p.Lys63Glu. This variant has been reported in the compound heterozygous state with a second pathogenic DPYD variant in an individual with clinical features consistent with autosomal recessive dihydropyrimidine dehydrogenase deficiency (Weidensee et al. 2011. PubMed ID: 21420945). It has also been reported in the heterozygous state in at least two cancer patients who experienced severe fluoropyrimidine toxicity following treatment with 5-fluorouracil and capecitabine, respectively (Kleibl et al. 2009. PubMed ID: 19473056; Soria-Chacartegui et al. 2021. PubMed ID: 34959317). In vitro studies have demonstrated that this variant leads to a loss of protein function and increased fluoropyrimidine sensitivity (Shrestha et al. 2018. PubMed ID: 29327356), which one in silico modeling analysis suggests may be due to misfolding of the FAD binding site (Weidensee et al. 2011. PubMed ID: 21420945). This variant is reported in 0.0062% of alleles in individuals of European (non-Finnish) descent in gnomAD. This variant is interpreted as likely pathogenic.

Blueprint Genetics
Classification: Uncertain significance. Last evaluated: 2024-10-17. Review status: criteria provided, single submitter. Criteria: ACMG Guidelines, 2015. Collection method: clinical testing. Allele origin: germline.

Revvity Omics, Revvity
Classification: Likely pathogenic for Dihydropyrimidine dehydrogenase deficiency. Last evaluated: 2024-09-25. Review status: criteria provided, single submitter. Criteria: ACMG Guidelines, 2015. Collection method: clinical testing. Allele origin: germline.

GeneDx
Classification: Likely pathogenic. Last evaluated: 2024-02-13. Review status: criteria provided, single submitter. Criteria: GeneDx Variant Classification Process June 2021. Collection method: clinical testing. Allele origin: germline. Affected: yes.
Comment: Published functional studies demonstrate a damaging effect on DPD activity (PMID: 29327356); In silico analysis supports that this missense variant has a deleterious effect on protein structure/function; This variant is associated with the following publications: (PMID: 34426522, 21420945, 36678742, 34959317, 19473056, 29327356)

Ambry Genetics
Classification: Uncertain significance for Inborn genetic diseases. Last evaluated: 2022-06-21. Review status: criteria provided, single submitter. Criteria: Ambry Variant Classification Scheme 2023. Collection method: clinical testing. Allele origin: germline.

Women's Health and Genetics/Laboratory Corporation of America, LabCorp
Classification: Likely pathogenic for Dihydropyrimidine dehydrogenase deficiency. Last evaluated: 2022-02-18. Review status: criteria provided, single submitter. Criteria: LabCorp Variant Classification Summary - May 2015. Collection method: clinical testing. Allele origin: germline.
Comment: Variant summary: DPYD c.187A>G (p.Lys63Glu) results in a conservative amino acid change located in the Dihydroprymidine dehydrogenase domain II (IPR028261) of the encoded protein sequence. Three of five in-silico tools predict a damaging effect of the variant on protein function. The variant allele was found at a frequency of 3.2e-05 in 250872 control chromosomes. c.187A>G has been reported in the literature as a compound heterozygous genotype with this variant and the classical DPYD*2A allele in at-least one individual affected with classical features of autosomal recessive Dihydropyrimidine Dehydrogenase Deficiency (example, Weidensee_2011) and has also been reported in individuals experiencing high toxicity to fluoropyramidines (example, Kleibl_2009). At least one publication reports experimental evidence evaluating an impact on protein function (example, Shreshta_2018). The most pronounced variant effect results in <10% of normal in-vitro DPYD activity. One clinical diagnostic laboratory has submitted clinical-significance assessments for this variant to ClinVar after 2014 without evidence for independent evaluation and classified the variant as uncertain significance. Based on the evidence outlined above, the variant was classified as likely pathogenic.

Counsyl
Classification: Uncertain significance for Dihydropyrimidine dehydrogenase deficiency. Last evaluated: 2017-11-14. Review status: no assertion criteria provided. Collection method: clinical testing. Allele origin: unknown. Not counted in ClinVar's aggregate classification.

Literature cited by the submitters: PubMed 19473056 (cited by 3 submitters); PubMed 21420945 (cited by 3 submitters); PubMed 29327356 (cited by Ambry Genetics and Women's Health and Genetics/Laboratory Corporation of America, LabCorp).